The following is an entry in ClinVar:

NM_005502.4(ABCA1):c.536T>C (p.Leu179Pro)

Gene: ABCA1 (ATP binding cassette subfamily A member 1; minus strand). Cytogenetic location: 9q31.1.
Variant type: single nucleotide variant.
Coding change: c.536T>C on transcript NM_005502.4 (MANE Select); coding-DNA position 536, T replaced by C.
Protein change: p.Leu179Pro; replaces leucine 179 with proline.
Molecular consequence: missense variant.
Genome position (GRCh38, 1-based): chr9:104,861,686, A>G on the plus strand (T>C on the coding strand, the complement: ABCA1 is on the minus strand). VCF-style: chr9-104861686-A-G. GRCh37 (hg19) VCF-style: chr9-107623967-A-G.
Other names: short protein forms L179P.
Identifiers: ClinVar variation 3832763 (VCV003832763.1).

ClinVar aggregate classification (germline): Uncertain significance (1 of 4 stars; one submission).

Conditions:
Cardiovascular phenotype. Identifiers: MedGen CN230736.

gnomAD v4.1: 5 of 1,614,206 alleles (0.00031%); highest among the groups gnomAD compares: Non-Finnish European, 0.00034%; no homozygotes.

Submission:

Ambry Genetics
Classification: Uncertain significance for Cardiovascular phenotype. Last evaluated: 2024-12-31. Review status: criteria provided, single submitter. Criteria: Ambry Variant Classification Scheme 2023. Collection method: clinical testing. Allele origin: germline.
Comment: The p.L179P variant (also known as c.536T>C), located in coding exon 5 of the ABCA1 gene, results from a T to C substitution at nucleotide position 536. The leucine at codon 179 is replaced by proline, an amino acid with similar properties. This amino acid position is conserved. In addition, this alteration is predicted to be deleterious by in silico analysis. Based on the available evidence, the clinical significance of this variant remains unclear.